The following is an entry in ClinVar:

NM_002691.4(POLD1):c.1250C>G (p.Thr417Arg)

Gene: POLD1 (DNA polymerase delta 1, catalytic subunit; plus strand). Cytogenetic location: 19q13.33.
Variant type: single nucleotide variant.
Coding change: c.1250C>G on transcript NM_002691.4 (MANE Select); coding-DNA position 1250, C replaced by G.
Protein change: p.Thr417Arg; replaces threonine 417 with arginine.
Molecular consequence: missense variant. On other transcripts: non-coding transcript variant (1).
Genome position (GRCh38, 1-based): chr19:50,406,189, C>G. VCF-style: chr19-50406189-C-G. GRCh37 (hg19) VCF-style: chr19-50909446-C-G.
Other names: c.1250C>G, p.Thr417Arg (NM_001256849.1, NM_001308632.1); short protein forms T417R.
Identifiers: ClinVar variation 486067 (VCV000486067.5), dbSNP rs1555791079, ClinGen allele CA406979707.

ClinVar aggregate classification (germline): Uncertain significance (1 of 4 stars; one submission).

Conditions:
Hereditary cancer-predisposing syndrome. Also called: Tumor predisposition; Hereditary Cancer Syndrome; Hereditary neoplastic syndrome; Neoplastic Syndromes, Hereditary. Identifiers: Orphanet 140162, MedGen C0027672, MeSH D009386, MONDO:0015356.

Submission:

Ambry Genetics
Classification: Uncertain significance for Hereditary cancer-predisposing syndrome. Last evaluated: 2018-10-04. Review status: criteria provided, single submitter. Criteria: Ambry Variant Classification Scheme 2023. Collection method: clinical testing. Allele origin: germline.
Comment: The p.T417R variant (also known as c.1250C>G), located in coding exon 10 of the POLD1 gene, results from a C to G substitution at nucleotide position 1250. The threonine at codon 417 is replaced by arginine, an amino acid with similar properties. This amino acid position is poorly conserved in available vertebrate species. In addition, this alteration is predicted to be tolerated by in silico analysis. Since supporting evidence is limited at this time, the clinical significance of this alteration remains unclear.